The following is an entry in ClinVar:

NM_002641.4(PIGA):c.1204T>G (p.Ser402Ala)

Gene: PIGA (phosphatidylinositol glycan anchor biosynthesis class A; minus strand). Cytogenetic location: Xp22.2.
Variant type: single nucleotide variant.
Coding change: c.1204T>G on transcript NM_002641.4 (MANE Select); coding-DNA position 1204, T replaced by G.
Protein change: p.Ser402Ala; replaces serine 402 with alanine.
Molecular consequence: missense variant. On other transcripts: non-coding transcript variant (2).
Genome position (GRCh38, 1-based): chrX:15,321,757, A>C on the plus strand (T>G on the coding strand, the complement: PIGA is on the minus strand). VCF-style: chrX-15321757-A-C. GRCh37 (hg19) VCF-style: chrX-15339879-A-C.
Other names: c.502T>G, p.Ser168Ala (NM_020473.3); short protein forms S168A, S402A.
Identifiers: ClinVar variation 1488469 (VCV001488469.9), dbSNP rs192475811, ClinGen allele CA326944304.

ClinVar aggregate classification (germline): Uncertain significance. Review status: criteria provided, multiple submitters, no conflicts (2 of 4 stars). 2 submissions from 2 submitters: Uncertain significance (2). Last evaluated 2023-04-25.

Conditions:
Multiple congenital anomalies-hypotonia-seizures syndrome 2 (MCAHS2). Also called: EPILEPTIC ENCEPHALOPATHY, EARLY INFANTILE, 20; GLYCOSYLPHOSPHATIDYLINOSITOL BIOSYNTHESIS DEFECT 4. Identifiers: Orphanet 300496, MedGen C3275508, MONDO:0010466, OMIM 300868.

Allele frequency attached by ClinVar (database versions not stated): gnomAD exomes 0.00001; gnomAD 0.00002; TOPMed 0.00002; 1000 Genomes Project 30x 0.00021; 1000 Genomes Project 0.00026.

Submissions (2):

Labcorp Genetics (formerly Invitae), Labcorp
Classification: Uncertain significance for Multiple congenital anomalies-hypotonia-seizures syndrome 2. Last evaluated: 2023-04-25. Review status: criteria provided, single submitter. Criteria: Invitae Variant Classification Sherloc (09022015). Collection method: clinical testing. Allele origin: germline.
Comment: This sequence change replaces serine, which is neutral and polar, with alanine, which is neutral and non-polar, at codon 402 of the PIGA protein (p.Ser402Ala). This variant is not present in population databases (gnomAD no frequency). This variant has not been reported in the literature in individuals affected with PIGA-related conditions. ClinVar contains an entry for this variant (Variation ID: 1488469). Advanced modeling of protein sequence and biophysical properties (such as structural, functional, and spatial information, amino acid conservation, physicochemical variation, residue mobility, and thermodynamic stability) performed at Invitae indicates that this missense variant is not expected to disrupt PIGA protein function. In summary, the available evidence is currently insufficient to determine the role of this variant in disease. Therefore, it has been classified as a Variant of Uncertain Significance.

GeneDx
Classification: Uncertain significance. Last evaluated: 2022-05-25. Review status: criteria provided, single submitter. Criteria: GeneDx Variant Classification Process June 2021. Collection method: clinical testing. Allele origin: germline. Affected: yes.
Comment: In silico analysis supports that this missense variant does not alter protein structure/function; Has not been previously published as pathogenic or benign to our knowledge